The following is an entry in ClinVar:

NM_001723.7(DST):c.5404G>A (p.Glu1802Lys)

Gene: DST (dystonin; minus strand). Cytogenetic location: 6p12.1.
Variant type: single nucleotide variant.
Coding change: c.5404G>A on transcript NM_001723.7 (MANE Plus Clinical); coding-DNA position 5404, G replaced by A.
Protein change: p.Glu1802Lys; replaces glutamic acid 1802 with lysine.
Molecular consequence: missense variant. On other transcripts: intron variant (10).
Genome position (GRCh38, 1-based): chr6:56,618,630, C>T on the plus strand (G>A on the coding strand, the complement: DST is on the minus strand). VCF-style: chr6-56618630-C-T. GRCh37 (hg19) VCF-style: chr6-56483428-C-T.
Other names: c.4831-4146G>A (NM_001144769.5); c.4930-4146G>A (NM_001374722.1, NM_001374736.1); c.4957-4146G>A (NM_001374734.1); c.4417-4146G>A (NM_001144770.2); c.4297-4146G>A (NM_001374730.1, NM_001386100.1, NM_183380.4 and 1 more transcripts); c.3319-4146G>A (NM_015548.5); short protein forms E1802K.
Identifiers: ClinVar variation 576770 (VCV000576770.7), dbSNP rs1230491645, ClinGen allele CA364567456.

ClinVar aggregate classification (germline): Uncertain significance (1 of 4 stars; one submission).

Conditions:
Hereditary sensory and autonomic neuropathy type 6. Also called: Neuropathy, hereditary sensory and autonomic, type VI; HSAN VI. Identifiers: Orphanet 314381, MedGen C3539003, MONDO:0013839, OMIM 614653.
Epidermolysis bullosa simplex 3, localized or generalized intermediate, with BP230 deficiency (EBS3). Also called: Epidermolysis bullosa simplex, autosomal recessive 2; Epidermolysis bullosa simplex due to BP230 deficiency. Identifiers: Orphanet 412181, MedGen C3809470, MONDO:0014180, OMIM 615425.

Allele frequency attached by ClinVar (database versions not stated): TOPMed below 0.00001.

Submission:

Labcorp Genetics (formerly Invitae), Labcorp
Classification: Uncertain significance for Epidermolysis bullosa simplex 3, localized or generalized intermediate, with BP230 deficiency; Hereditary sensory and autonomic neuropathy type 6. Last evaluated: 2023-06-20. Review status: criteria provided, single submitter. Criteria: Invitae Variant Classification Sherloc (09022015). Collection method: clinical testing. Allele origin: germline.
Comment: In summary, the available evidence is currently insufficient to determine the role of this variant in disease. Therefore, it has been classified as a Variant of Uncertain Significance. An algorithm developed to predict the effect of missense changes on protein structure and function (PolyPhen-2) suggests that this variant¬†is likely to be tolerated. ClinVar contains an entry for this variant (Variation ID: 576770). This variant has not been reported in the literature in individuals affected with DST-related conditions. This variant is not present in population databases (gnomAD no frequency). This sequence change replaces glutamic acid, which is acidic and polar, with lysine, which is basic and polar, at codon 1802 of the DST protein (p.Glu1802Lys).